The following is an entry in ClinVar:

NM_001077350.3(NPRL3):c.1231T>G (p.Cys411Gly)

Genes: HBA-LCR (alpha-globin locus control region; plus strand), NPRL3 (NPR3 like, GATOR1 complex subunit; minus strand). Cytogenetic location: 16p13.3.
Variant type: single nucleotide variant.
Coding change: c.1231T>G on transcript NM_001077350.3 (MANE Select); coding-DNA position 1231, T replaced by G.
Protein change: p.Cys411Gly; replaces cysteine 411 with glycine.
Molecular consequence: missense variant.
Genome position (GRCh38, 1-based): chr16:89,833, A>C on the plus strand (T>G on the coding strand, the complement: NPRL3 is on the minus strand). VCF-style: chr16-89833-A-C. GRCh37 (hg19) VCF-style: chr16-139831-A-C.
Other names: c.694T>G, p.Cys232Gly (NM_001039476.3); c.997T>G, p.Cys333Gly (NM_001243247.2); c.1156T>G, p.Cys386Gly (NM_001243248.2, NM_001243249.2); short protein forms C386G, C411G, C232G, C333G.
Identifiers: ClinVar variation 4055964 (VCV004055964.1).

ClinVar aggregate classification (germline): Uncertain significance (1 of 4 stars; one submission).

Submission:

GeneDx
Classification: Uncertain significance. Last evaluated: 2025-01-05. Review status: criteria provided, single submitter. Criteria: GeneDx Variant Classification Process June 2021. Collection method: clinical testing. Allele origin: germline. Affected: yes.
Comment: Not observed at significant frequency in large population cohorts (gnomAD); In silico analysis supports that this missense variant has a deleterious effect on protein structure/function; Has not been previously published as pathogenic or benign to our knowledge